The following is an entry in ClinVar:

NM_002299.4(LCT):c.1931C>T (p.Thr644Ile)

Gene: LCT (lactase; minus strand). Cytogenetic location: 2q21.3.
Variant type: single nucleotide variant.
Coding change: c.1931C>T on transcript NM_002299.4 (MANE Select); coding-DNA position 1931, C replaced by T.
Protein change: p.Thr644Ile; replaces threonine 644 with isoleucine.
Molecular consequence: missense variant.
Genome position (GRCh38, 1-based): chr2:135,812,733, G>A on the plus strand (C>T on the coding strand, the complement: LCT is on the minus strand). VCF-style: chr2-135812733-G-A. GRCh37 (hg19) VCF-style: chr2-136570303-G-A.
Other names: short protein forms T644I.
Identifiers: ClinVar variation 894498 (VCV000894498.6), dbSNP rs546741050, ClinGen allele CA1888321.

ClinVar aggregate classification (germline): Uncertain significance. Review status: criteria provided, multiple submitters, no conflicts (2 of 4 stars). 2 submissions from 2 submitters: Uncertain significance (2). Last evaluated 2025-09-02.

Conditions:
Congenital lactase deficiency. Also called: ALACTASIA, CONGENITAL; DISACCHARIDE INTOLERANCE II. Identifiers: Orphanet 53690, MedGen C0268179, MONDO:0009115, OMIM 223000.

Allele frequency attached by ClinVar (database versions not stated): gnomAD 0.00001 and 0.00003; gnomAD exomes 0.00008 and 0.00013; ExAC 0.00012; 1000 Genomes Project 30x 0.00016; 1000 Genomes Project 0.00020.
gnomAD v4.1: 120 of 1,614,226 alleles (0.0074%); highest among the groups gnomAD compares: South Asian, 0.12%; 1 homozygote.

Submissions (2):

Labcorp Genetics (formerly Invitae), Labcorp
Classification: Uncertain significance. Last evaluated: 2025-09-02. Review status: criteria provided, single submitter. Criteria: Invitae Variant Classification Sherloc (09022015). Collection method: clinical testing. Allele origin: germline.
Comment: This sequence change replaces threonine, which is neutral and polar, with isoleucine, which is neutral and non-polar, at codon 644 of the LCT protein (p.Thr644Ile). This variant is present in population databases (rs546741050, gnomAD 0.1%). This variant has not been reported in the literature in individuals affected with LCT-related conditions. ClinVar contains an entry for this variant (Variation ID: 894498). An algorithm developed to predict the effect of missense changes on protein structure and function (PolyPhen-2) suggests that this variant is likely to be tolerated. In summary, the available evidence is currently insufficient to determine the role of this variant in disease. Therefore, it has been classified as a Variant of Uncertain Significance.

Illumina Laboratory Services, Illumina
Classification: Uncertain significance for Congenital lactase deficiency. Last evaluated: 2018-01-12. Review status: criteria provided, single submitter. Criteria: ICSL Variant Classification Criteria 13 December 2019. Collection method: clinical testing. Allele origin: germline.